The following is an entry in ClinVar:

NM_182914.3(SYNE2):c.10370C>T (p.Ala3457Val)

Gene: SYNE2 (spectrin repeat containing nuclear envelope protein 2; plus strand). Cytogenetic location: 14q23.2.
Variant type: single nucleotide variant.
Coding change: c.10370C>T on transcript NM_182914.3 (MANE Select); coding-DNA position 10370, C replaced by T.
Protein change: p.Ala3457Val; replaces alanine 3457 with valine.
Molecular consequence: missense variant.
Genome position (GRCh38, 1-based): chr14:64,065,589, C>T. VCF-style: chr14-64065589-C-T. GRCh37 (hg19) VCF-style: chr14-64532307-C-T.
Other names: c.10370C>T, p.Ala3457Val (NM_015180.6); short protein forms A3457V.
Identifiers: ClinVar variation 1054261 (VCV001054261.9), dbSNP rs2153592805, ClinGen allele CA389991577.

ClinVar aggregate classification (germline): Uncertain significance (1 of 4 stars; one submission).

Conditions:
Emery-Dreifuss muscular dystrophy 5, autosomal dominant (EDMD5). Also called: EMERY-DREIFUSS MUSCULAR DYSTROPHY 5. Identifiers: Orphanet 261, MedGen C2751805, MONDO:0013072, OMIM 612999.

Submission:

Labcorp Genetics (formerly Invitae), Labcorp
Classification: Uncertain significance for Emery-Dreifuss muscular dystrophy 5, autosomal dominant. Last evaluated: 2023-10-03. Review status: criteria provided, single submitter. Criteria: Invitae Variant Classification Sherloc (09022015). Collection method: clinical testing. Allele origin: germline.
Comment: This sequence change replaces alanine, which is neutral and non-polar, with valine, which is neutral and non-polar, at codon 3457 of the SYNE2 protein (p.Ala3457Val). This variant is not present in population databases (gnomAD no frequency). This variant has not been reported in the literature in individuals affected with SYNE2-related conditions. ClinVar contains an entry for this variant (Variation ID: 1054261). Algorithms developed to predict the effect of missense changes on protein structure and function output the following: SIFT: "Not Available"; PolyPhen-2: "Benign"; Align-GVGD: "Not Available". The valine amino acid residue is found in multiple mammalian species, which suggests that this missense change does not adversely affect protein function. In summary, the available evidence is currently insufficient to determine the role of this variant in disease. Therefore, it has been classified as a Variant of Uncertain Significance.